The following is an entry in ClinVar:

NM_019120.5(PCDHB8):c.705T>C (p.Asp235=)

Genes: PCDHB8 (protocadherin beta 8; plus strand), PCDHB@ (protocadherin beta cluster; plus strand). Cytogenetic location: 5q31.3.
Variant type: single nucleotide variant.
Coding change: c.705T>C on transcript NM_019120.5 (MANE Select); coding-DNA position 705, T replaced by C.
Protein change: p.Asp235=; no amino-acid change (aspartic acid 235 retained).
Molecular consequence: synonymous variant.
Genome position (GRCh38, 1-based): chr5:141,178,739, T>C. VCF-style: chr5-141178739-T-C. GRCh37 (hg19) VCF-style: chr5-140558320-T-C.
Identifiers: ClinVar variation 2655816 (VCV002655816.24), dbSNP rs782505336, ClinGen allele CA3459402.
Genomic context (GRCh38, chr5:141,178,739, plus strand): 5'-ACTGGATGGTGGCTCTCCGCCCAGATCTGGCACTGCTCAGGTCTACATTGAAGTTGTCGA[T>C]GTCAATGATAATGCCCCTGAATTTGAGCAGCCTTTCTATAGGGTGCAGATCTCTGAGGAC-3'
Protein context (NP_061993.3, residues 225-245): GTAQVYIEVV[Asp235=]VNDNAPEFEQ

ClinVar aggregate classification (germline): Likely benign (1 of 4 stars; one submission).

Allele frequency attached by ClinVar (database versions not stated): gnomAD 0.00003; gnomAD exomes 0.00004; ExAC 0.00007.
gnomAD v4.1: 57 of 1,578,094 alleles (0.0036%); highest among the groups gnomAD compares: Non-Finnish European, 0.0047%; no homozygotes.

Submission:

CeGaT Center for Human Genetics Tuebingen
Classification: Likely benign. Last evaluated: 2022-11-01. Review status: criteria provided, single submitter. Criteria: CeGaT Center For Human Genetics Tuebingen Variant Classification Criteria Version 2. Collection method: clinical testing. Allele origin: germline. Affected: yes. Observed: 1 variant allele.
Comment: PCDHB8: BP4, BP7